The following is an entry in ClinVar:

NM_005045.4(RELN):c.5996T>C (p.Val1999Ala)

Gene: RELN (reelin; minus strand). Cytogenetic location: 7q22.1.
Variant type: single nucleotide variant.
Coding change: c.5996T>C on transcript NM_005045.4 (MANE Select); coding-DNA position 5996, T replaced by C.
Protein change: p.Val1999Ala; replaces valine 1999 with alanine.
Molecular consequence: missense variant.
Genome position (GRCh38, 1-based): chr7:103,553,537, A>G on the plus strand (T>C on the coding strand, the complement: RELN is on the minus strand). VCF-style: chr7-103553537-A-G. GRCh37 (hg19) VCF-style: chr7-103193984-A-G.
Other names: c.5996T>C, p.Val1999Ala (NM_173054.3); short protein forms V1999A.
Identifiers: ClinVar variation 4792209 (VCV004792209.1).

ClinVar aggregate classification (germline): Uncertain significance (1 of 4 stars; one submission).

Conditions:
Norman-Roberts syndrome (LIS2). Also called: Lissencephaly 2 (Norman-Roberts type). Identifiers: Orphanet 89844, MedGen C0796089, MONDO:0009760, OMIM 257320.
Familial temporal lobe epilepsy 7. Identifiers: Orphanet 101046, MedGen C4225327, MONDO:0014639, OMIM 616436.

gnomAD v4.1: 1 of 1,614,122 alleles (0.000062%); highest among the groups gnomAD compares: Non-Finnish European, 0.000085%; no homozygotes.

Submission:

Labcorp Genetics (formerly Invitae), Labcorp
Classification: Uncertain significance for Familial temporal lobe epilepsy 7; Norman-Roberts syndrome. Last evaluated: 2025-09-04. Review status: criteria provided, single submitter. Criteria: Invitae Variant Classification Sherloc (09022015). Collection method: clinical testing. Allele origin: germline.
Comment: This sequence change replaces valine, which is neutral and non-polar, with alanine, which is neutral and non-polar, at codon 1999 of the RELN protein (p.Val1999Ala). This variant is not present in population databases (gnomAD no frequency). This variant has not been reported in the literature in individuals affected with RELN-related conditions. Invitae Evidence Modeling of protein sequence and biophysical properties (such as structural, functional, and spatial information, amino acid conservation, physicochemical variation, residue mobility, and thermodynamic stability) indicates that this missense variant is not expected to disrupt RELN protein function with a negative predictive value of 80%. In summary, the available evidence is currently insufficient to determine the role of this variant in disease. Therefore, it has been classified as a Variant of Uncertain Significance.